The following is an entry in ClinVar:

ClinVar aggregate classification (germline): Uncertain significance. Review status: criteria provided, multiple submitters, no conflicts (2 of 4 stars). 2 submissions from 2 submitters: Uncertain significance (2). Last evaluated 2025-08-23.

Conditions:
Inborn genetic diseases. Identifiers: MedGen C0950123, MeSH D030342.
Nemaline myopathy 5 (NEM5A). Also called: Nemaline myopathy 5, Amish type; NEMALINE MYOPATHY, AMISH TYPE; NEMALINE MYOPATHY 5A, AUTOSOMAL RECESSIVE, SEVERE INFANTILE. Identifiers: Orphanet 98902, MedGen C1854380, MONDO:0011539, OMIM 605355.

Submissions (2):

Ambry Genetics
Classification: Uncertain significance for Inborn genetic diseases. Last evaluated: 2025-08-23. Review status: criteria provided, single submitter. Criteria: Ambry Variant Classification Scheme 2023. Collection method: clinical testing. Allele origin: germline.

Labcorp Genetics (formerly Invitae), Labcorp
Classification: Uncertain significance for Nemaline myopathy 5. Last evaluated: 2020-11-17. Review status: criteria provided, single submitter. Criteria: Invitae Variant Classification Sherloc (09022015). Collection method: clinical testing. Allele origin: germline.
Comment: In summary, the available evidence is currently insufficient to determine the role of this variant in disease. Therefore, it has been classified as a Variant of Uncertain Significance. Algorithms developed to predict the effect of missense changes on protein structure and function (SIFT, PolyPhen-2, Align-GVGD) all suggest that this variant is likely to be tolerated, but these predictions have not been confirmed by published functional studies and their clinical significance is uncertain. This variant has not been reported in the literature in individuals with TNNT1-related disease. This variant is not present in population databases (ExAC no frequency). This sequence change replaces arginine with glycine at codon 175 of the TNNT1 protein (p.Arg175Gly). The arginine residue is moderately conserved and there is a moderate physicochemical difference between arginine and glycine.

NM_003283.6(TNNT1):c.523C>G (p.Arg175Gly)

Gene: TNNT1 (troponin T1, slow skeletal type; minus strand). Cytogenetic location: 19q13.42.
Variant type: single nucleotide variant.
Coding change: c.523C>G on transcript NM_003283.6 (MANE Select); coding-DNA position 523, C replaced by G.
Protein change: p.Arg175Gly; replaces arginine 175 with glycine.
Molecular consequence: missense variant.
Genome position (GRCh38, 1-based): chr19:55,137,191, G>C on the plus strand (C>G on the coding strand, the complement: TNNT1 is on the minus strand). VCF-style: chr19-55137191-G-C. GRCh37 (hg19) VCF-style: chr19-55648559-G-C.
Other names: c.523C>G, p.Arg175Gly (NM_001126132.3); c.490C>G, p.Arg164Gly (NM_001126133.3, NM_001291774.2); c.523C>G (NM_003283.4); short protein forms R175G, R164G.
Identifiers: ClinVar variation 534403 (VCV000534403.10), dbSNP rs780372739, ClinGen allele CA407432790.